The following is an entry in ClinVar:

NM_001148.6(ANK2):c.7132G>C (p.Glu2378Gln)

Genes: ANK2 (ankyrin 2; plus strand), LOC126807137 (CDK7 strongly-dependent group 2 enhancer GRCh37_chr4:114276560-114277759; plus strand). Cytogenetic location: 4q26.
Variant type: single nucleotide variant.
Coding change: c.7132G>C on transcript NM_001148.6 (MANE Select); coding-DNA position 7132, G replaced by C.
Protein change: p.Glu2378Gln; replaces glutamic acid 2378 with glutamine.
Molecular consequence: missense variant. On other transcripts: intron variant (68).
Genome position (GRCh38, 1-based): chr4:113,355,750, G>C. VCF-style: chr4-113355750-G-C. GRCh37 (hg19) VCF-style: chr4-114276906-G-C.
Other names: c.6898G>C, p.Glu2300Gln (NM_001386142.1); c.3532G>C, p.Glu1178Gln (NM_001386166.1); c.7273G>C, p.Glu2425Gln (NM_001386174.1); c.7249G>C, p.Glu2417Gln (NM_001386175.1); c.4412-5073G>C (NM_001386186.2, NM_001386148.2); c.4214-5073G>C (NM_001354269.3); c.4292-5073G>C (NM_001386187.2); c.4253-5073G>C (NM_001386147.1); and 35 more; short protein forms E2378Q, E2417Q, E2300Q, E2425Q, E1178Q.
Identifiers: ClinVar variation 1757322 (VCV001757322.2), dbSNP rs141191319, ClinGen allele CA357929541.

ClinVar aggregate classification (germline): Uncertain significance (1 of 4 stars; one submission).

Conditions:
Cardiovascular phenotype. Identifiers: MedGen CN230736.

Submission:

Ambry Genetics
Classification: Uncertain significance for Cardiovascular phenotype. Last evaluated: 2022-10-11. Review status: criteria provided, single submitter. Criteria: Ambry Variant Classification Scheme 2023. Collection method: clinical testing. Allele origin: germline.
Comment: The p.E2378Q variant (also known as c.7132G>C), located in coding exon 38 of the ANK2 gene, results from a G to C substitution at nucleotide position 7132. The glutamic acid at codon 2378 is replaced by glutamine, an amino acid with highly similar properties. This amino acid position is conserved. In addition, this alteration is predicted to be tolerated by in silico analysis. Since supporting evidence is limited at this time, the clinical significance of this alteration remains unclear.